The following is an entry in ClinVar:

NM_000038.6(APC):c.4819A>G (p.Arg1607Gly)

Gene: APC (APC regulator of Wnt signaling pathway; plus strand). Cytogenetic location: 5q22.2.
Variant type: single nucleotide variant.
Coding change: c.4819A>G on transcript NM_000038.6 (MANE Select); coding-DNA position 4819, A replaced by G.
Protein change: p.Arg1607Gly; replaces arginine 1607 with glycine.
Molecular consequence: missense variant.
Genome position (GRCh38, 1-based): chr5:112,840,413, A>G. VCF-style: chr5-112840413-A-G. GRCh37 (hg19) VCF-style: chr5-112176110-A-G.
Other names: c.4819A>G, p.Arg1607Gly (NM_001127510.3, NM_001354895.2); c.4765A>G, p.Arg1589Gly (NM_001127511.3); c.4873A>G, p.Arg1625Gly (NM_001354896.2); c.4849A>G, p.Arg1617Gly (NM_001354897.2); c.4744A>G, p.Arg1582Gly (NM_001354898.2); c.4735A>G, p.Arg1579Gly (NM_001354899.2); c.4696A>G, p.Arg1566Gly (NM_001354900.2); c.4642A>G, p.Arg1548Gly (NM_001354901.2); and 5 more; short protein forms R1481G, R1566G, R1582G, R1607G, R1617G, R1447G, R1324G, R1506G.
Identifiers: ClinVar variation 664995 (VCV000664995.11), dbSNP rs1580653022, ClinGen allele CA16031888.

ClinVar aggregate classification (germline): Uncertain significance. Review status: criteria provided, multiple submitters, no conflicts (2 of 4 stars). 2 submissions from 2 submitters: Uncertain significance (2). Last evaluated 2024-04-15.

Conditions:
Hereditary cancer-predisposing syndrome. Also called: Tumor predisposition; Hereditary neoplastic syndrome; Neoplastic Syndromes, Hereditary; Hereditary Cancer Syndrome. Identifiers: Orphanet 140162, MedGen C0027672, MeSH D009386, MONDO:0015356.
Familial adenomatous polyposis 1 (FAP1). Also called: POLYPOSIS, ADENOMATOUS INTESTINAL; FAMILIAL ADENOMATOUS POLYPOSIS 1, ATTENUATED. Identifiers: MedGen C2713442, MONDO:0021056, OMIM 175100. Disease mechanism: loss of function.

Allele frequency attached by ClinVar (database versions not stated): TOPMed below 0.00001; gnomAD 0.00001.
gnomAD v4.1: 2 of 1,614,120 alleles (0.00012%); highest among the groups gnomAD compares: East Asian, 0.0045%; no homozygotes.

Submissions (2):

Labcorp Genetics (formerly Invitae), Labcorp
Classification: Uncertain significance for Familial adenomatous polyposis 1. Last evaluated: 2024-04-15. Review status: criteria provided, single submitter. Criteria: Invitae Variant Classification Sherloc (09022015). Collection method: clinical testing. Allele origin: germline.
Comment: This sequence change replaces arginine, which is basic and polar, with glycine, which is neutral and non-polar, at codon 1607 of the APC protein (p.Arg1607Gly). This variant is not present in population databases (gnomAD no frequency). This variant has not been reported in the literature in individuals affected with APC-related conditions. ClinVar contains an entry for this variant (Variation ID: 664995). Advanced modeling of protein sequence and biophysical properties (such as structural, functional, and spatial information, amino acid conservation, physicochemical variation, residue mobility, and thermodynamic stability) performed at Invitae indicates that this missense variant is not expected to disrupt APC protein function with a negative predictive value of 95%. RNA analysis performed to evaluate the impact of this missense change on mRNA splicing indicates it does not significantly alter splicing (Invitae). In summary, the available evidence is currently insufficient to determine the role of this variant in disease. Therefore, it has been classified as a Variant of Uncertain Significance.

Ambry Genetics
Classification: Uncertain significance for Hereditary cancer-predisposing syndrome. Last evaluated: 2024-03-26. Review status: criteria provided, single submitter. Criteria: Ambry Variant Classification Scheme 2023. Collection method: clinical testing. Allele origin: germline.
Comment: The p.R1607G variant (also known as c.4819A>G), located in coding exon 15 of the APC gene, results from an A to G substitution at nucleotide position 4819. The arginine at codon 1607 is replaced by glycine, an amino acid with dissimilar properties. This amino acid position is well conserved in available vertebrate species. In addition, in silico predictors for this gene do not accurately predict pathogenicity. Based on the available evidence, the clinical significance of this alteration remains unclear.